The following is an entry in ClinVar:

ClinVar aggregate classification (germline): Benign/Likely benign. Review status: criteria provided, multiple submitters, no conflicts (2 of 4 stars). 4 submissions from 4 submitters: Benign (1); Likely benign (2). 1 of the submissions does not count toward it. Last evaluated 2025-09-27.

Conditions:
HIVEP2-related disorder. Also called: HIVEP2-related condition.

Allele frequency attached by ClinVar (database versions not stated): gnomAD 0.00002; TOPMed 0.00002; ExAC 0.00003; gnomAD exomes 0.00003.
gnomAD v4.1: 44 of 1,613,106 alleles (0.0027%); highest among the groups gnomAD compares: Middle Eastern, 0.066%; no homozygotes.

Submissions (4):

Labcorp Genetics (formerly Invitae), Labcorp
Classification: Benign. Last evaluated: 2025-09-27. Review status: criteria provided, single submitter. Criteria: Invitae Variant Classification Sherloc (09022015). Collection method: clinical testing. Allele origin: germline.

CeGaT Center for Human Genetics Tuebingen
Classification: Likely benign. Last evaluated: 2024-12-01. Review status: criteria provided, single submitter. Criteria: CeGaT Center For Human Genetics Tuebingen Variant Classification Criteria Version 2. Collection method: clinical testing. Allele origin: germline. Affected: yes. Observed: 1 variant allele.
Comment: HIVEP2: BP4, BP7

Women's Health and Genetics/Laboratory Corporation of America, LabCorp
Classification: Likely benign. Last evaluated: 2023-11-02. Review status: criteria provided, single submitter. Criteria: LabCorp Variant Classification Summary - May 2015. Collection method: clinical testing. Allele origin: germline.
Comment: Variant summary: HIVEP2 c.3420G>A alters a non-conserved nucleotide resulting in a synonymous change. Consensus agreement among computation tools predict no significant impact on normal splicing. However, these predictions have yet to be confirmed by functional studies. The variant allele was found at a frequency of 1.6e-05 in 247294 control chromosomes (gnomAD). The available data on variant occurrences in the general population are insufficient to allow any conclusion about variant significance. To our knowledge, no occurrence of c.3420G>A in individuals affected with Intellectual Disability and no experimental evidence demonstrating its impact on protein function have been reported. No submitters have cited clinical-significance assessments for this variant to ClinVar after 2014. Based on the evidence outlined above, the variant was classified as likely benign.

PreventionGenetics, part of Exact Sciences
Classification: Likely benign for HIVEP2-related condition. Last evaluated: 2020-11-12. Review status: no assertion criteria provided. Collection method: clinical testing. Allele origin: germline. Not counted in ClinVar's aggregate classification.
Comment: This variant is classified as likely benign based on ACMG/AMP sequence variant interpretation guidelines (Richards et al. 2015 PMID: 25741868, with internal and published modifications).

NM_006734.4(HIVEP2):c.3420G>A (p.Ala1140=)

Gene: HIVEP2 (HIVEP zinc finger 2; minus strand). Cytogenetic location: 6q24.2.
Variant type: single nucleotide variant.
Coding change: c.3420G>A on transcript NM_006734.4 (MANE Select); coding-DNA position 3420, G replaced by A.
Protein change: p.Ala1140=; no amino-acid change (alanine 1140 retained).
Molecular consequence: synonymous variant.
Genome position (GRCh38, 1-based): chr6:142,771,319, C>T on the plus strand (G>A on the coding strand, the complement: HIVEP2 is on the minus strand). VCF-style: chr6-142771319-C-T. GRCh37 (hg19) VCF-style: chr6-143092456-C-T.
Other names: c.3420G>A (NM_006734.3).
Identifiers: ClinVar variation 2682564 (VCV002682564.19), dbSNP rs749654142, ClinGen allele CA4028257.